The following is an entry in ClinVar:

NM_003072.5(SMARCA4):c.866T>G (p.Met289Arg)

Gene: SMARCA4 (SWI/SNF related BAF chromatin remodeling complex subunit ATPase 4; plus strand). Cytogenetic location: 19p13.2.
Variant type: single nucleotide variant.
Coding change: c.866T>G on transcript NM_003072.5 (MANE Select); coding-DNA position 866, T replaced by G.
Protein change: p.Met289Arg; replaces methionine 289 with arginine.
Molecular consequence: missense variant. On other transcripts: non-coding transcript variant (1).
Genome position (GRCh38, 1-based): chr19:10,987,672, T>G. VCF-style: chr19-10987672-T-G. GRCh37 (hg19) VCF-style: chr19-11098348-T-G.
Other names: c.866T>G (NM_001128849.1); c.866T>G, p.Met289Arg (NM_001128844.3, NM_001128845.2, NM_001128846.2 and 6 more transcripts); short protein forms M289R.
Identifiers: ClinVar variation 2835665 (VCV002835665.5), dbSNP rs878854243, ClinGen allele CA404058302.
Genomic context (GRCh38, chr19:10,987,672, plus strand): 5'-CCGGGATGGGCCCCAGAGCTCAACATGACGCCCTGGCCCCTTGCCTTCTCCCAGGACCCA[T>G]GGCGAATGCTGCTGCCCCCACGAGCACCCCTCAGAAGCTGATTCCCCCGCAGCCAACGGG-3'
Protein context (NP_003063.2, residues 279-299): GPPKPWPEGP[Met289Arg]ANAAAPTSTP

ClinVar aggregate classification (germline): Uncertain significance. Review status: criteria provided, multiple submitters, no conflicts (2 of 4 stars). 3 submissions from 3 submitters: Uncertain significance (3). Last evaluated 2025-02-09.

Conditions:
Rhabdoid tumor predisposition syndrome 2 (RTPS2). Identifiers: Orphanet 231108, Orphanet 69077, MedGen C2750074, MONDO:0013224, OMIM 613325.
Hereditary cancer-predisposing syndrome. Also called: Hereditary Cancer Syndrome; Tumor predisposition; Hereditary neoplastic syndrome; Neoplastic Syndromes, Hereditary. Identifiers: Orphanet 140162, MedGen C0027672, MeSH D009386, MONDO:0015356.

Submissions (3):

Ambry Genetics
Classification: Uncertain significance for Hereditary cancer-predisposing syndrome. Last evaluated: 2025-02-09. Review status: criteria provided, single submitter. Criteria: Ambry Variant Classification Scheme 2023. Collection method: clinical testing. Allele origin: germline.
Comment: The p.M289R variant (also known as c.866T>G), located in coding exon 5 of the SMARCA4 gene, results from a T to G substitution at nucleotide position 866. The methionine at codon 289 is replaced by arginine, an amino acid with similar properties. This amino acid position is conserved. In addition, this alteration is predicted to be deleterious by in silico analysis. Based on the available evidence, the clinical significance of this variant remains unclear.

Labcorp Genetics (formerly Invitae), Labcorp
Classification: Uncertain significance for Rhabdoid tumor predisposition syndrome 2. Last evaluated: 2024-10-29. Review status: criteria provided, single submitter. Criteria: Invitae Variant Classification Sherloc (09022015). Collection method: clinical testing. Allele origin: germline.
Comment: This sequence change replaces methionine, which is neutral and non-polar, with arginine, which is basic and polar, at codon 289 of the SMARCA4 protein (p.Met289Arg). This variant is not present in population databases (gnomAD no frequency). This variant has not been reported in the literature in individuals affected with SMARCA4-related conditions. ClinVar contains an entry for this variant (Variation ID: 2835665). An algorithm developed to predict the effect of missense changes on protein structure and function (PolyPhen-2) suggests that this variant is likely to be tolerated. In summary, the available evidence is currently insufficient to determine the role of this variant in disease. Therefore, it has been classified as a Variant of Uncertain Significance.

Blueprint Genetics
Classification: Uncertain significance. Last evaluated: 2024-07-30. Review status: criteria provided, single submitter. Criteria: ACMG Guidelines, 2015. Collection method: clinical testing. Allele origin: germline.